The following is an entry in ClinVar:

NM_005689.4(ABCB6):c.2216G>A (p.Arg739His)

Gene: ABCB6 (ATP binding cassette subfamily B member 6 (LAN blood group); minus strand). Cytogenetic location: 2q35.
Variant type: single nucleotide variant.
Coding change: c.2216G>A on transcript NM_005689.4 (MANE Select); coding-DNA position 2216, G replaced by A.
Protein change: p.Arg739His; replaces arginine 739 with histidine.
Molecular consequence: missense variant.
Genome position (GRCh38, 1-based): chr2:219,210,751, C>T on the plus strand (G>A on the coding strand, the complement: ABCB6 is on the minus strand). VCF-style: chr2-219210751-C-T. GRCh37 (hg19) VCF-style: chr2-220075473-C-T.
Other names: p.Arg739His; c.2078G>A, p.Arg693His (NM_001349828.2); short protein forms R739H, R693H.
Identifiers: ClinVar variation 1469982 (VCV001469982.7), dbSNP rs192931087, ClinGen allele CA2119008.
Genomic context (GRCh38, chr2:219,210,751, plus strand): 5'-GGAGGAGACCCAGGGCGCACCTCATCCAGCAGAATGATGCCCGGAGCCTTGAGGATGGTG[C>T]GGGCAATGGCGACGCGCTGCTTCTCCCCGCCGCTCAGCTTCAGTCCCCGCTCGCCCACCT-3'
Protein context (NP_005680.1, residues 729-749): GGEKQRVAIA[Arg739His]TILKAPGIIL

ClinVar aggregate classification (germline): Uncertain significance. Review status: criteria provided, multiple submitters, no conflicts (2 of 4 stars). 2 submissions from 2 submitters: Uncertain significance (2). Last evaluated 2025-09-02.

Allele frequency attached by ClinVar (database versions not stated): gnomAD exomes 0.00005 and 0.00017; ExAC 0.00008; 1000 Genomes Project 0.00020; gnomAD 0.00022; 1000 Genomes Project 30x 0.00031.
gnomAD v4.1: 107 of 1,613,660 alleles (0.0066%); highest among the groups gnomAD compares: Admixed American, 0.1%; no homozygotes.

Submissions (2):

Labcorp Genetics (formerly Invitae), Labcorp
Classification: Uncertain significance. Last evaluated: 2025-09-02. Review status: criteria provided, single submitter. Criteria: Invitae Variant Classification Sherloc (09022015). Collection method: clinical testing. Allele origin: germline.
Comment: This sequence change replaces arginine, which is basic and polar, with histidine, which is basic and polar, at codon 739 of the ABCB6 protein (p.Arg739His). This variant is present in population databases (rs192931087, gnomAD 0.09%), and has an allele count higher than expected for a pathogenic variant. This variant has not been reported in the literature in individuals affected with ABCB6-related conditions. ClinVar contains an entry for this variant (Variation ID: 1469982). An algorithm developed to predict the effect of missense changes on protein structure and function (PolyPhen-2) suggests that this variant is likely to be disruptive. In summary, the available evidence is currently insufficient to determine the role of this variant in disease. Therefore, it has been classified as a Variant of Uncertain Significance.

Mayo Clinic Laboratories, Mayo Clinic
Classification: Uncertain significance. Last evaluated: 2024-07-24. Review status: criteria provided, single submitter. Criteria: ACMG Guidelines, 2015. Collection method: clinical testing. Allele origin: germline. Observed: 1 variant allele.
Comment: PP3, PM2

Literature cited by the submitters: PubMed 23763549 (cited by Mayo Clinic Laboratories, Mayo Clinic).